The following is an entry in ClinVar:

NM_001009944.3(PKD1):c.7536G>A (p.Leu2512=)

Gene: PKD1 (polycystin 1, transient receptor potential channel interacting; minus strand). Cytogenetic location: 16p13.3.
Variant type: single nucleotide variant.
Coding change: c.7536G>A on transcript NM_001009944.3 (MANE Select); coding-DNA position 7536, G replaced by A.
Protein change: p.Leu2512=; no amino-acid change (leucine 2512 retained).
Molecular consequence: synonymous variant.
Genome position (GRCh38, 1-based): chr16:2,106,258, C>T on the plus strand (G>A on the coding strand, the complement: PKD1 is on the minus strand). VCF-style: chr16-2106258-C-T. GRCh37 (hg19) VCF-style: chr16-2156259-C-T.
Other names: c.7536G>A, p.Leu2512= (NM_000296.4).
Identifiers: ClinVar variation 4986110 (VCV004986110.1).
Genomic context (GRCh38, chr16:2,106,258, plus strand): 5'-GAGGCTGCCCTTGTAGACACAGAACTCCTCGCAGTGGCCCTGGCGACAGCGCCGCAGCAG[C>T]AGGGCGTACACCAGCGGGGCGCCAGCATCCTCCGCGTCATGCCAGCCTGAGGGACGGTCC-3'
Protein context (NP_001009944.3, residues 2502-2522): EDAGAPLVYA[Leu2512=]LLRRCRQGHC

ClinVar aggregate classification (germline): Likely benign (1 of 4 stars; one submission).

Conditions:
PKD1-related disorder. Also called: PKD1-related condition.

gnomAD v4.1: 7 of 1,610,162 alleles (0.00043%); highest among the groups gnomAD compares: South Asian, 0.0055%; no homozygotes.

Submission:

PreventionGenetics, part of Exact Sciences
Classification: Likely benign for PKD1-related condition. Last evaluated: 2026-06-07. Review status: criteria provided, single submitter. Criteria: ACMG Guidelines, 2015. Collection method: clinical testing. Allele origin: germline.
Comment: This variant is classified as likely benign based on ACMG/AMP sequence variant interpretation guidelines (Richards et al. 2015 PMID: 25741868, with internal and published modifications).